The following is an entry in ClinVar:

ClinVar aggregate classification (germline): Uncertain significance (1 of 4 stars; one submission).

gnomAD v4.1: 19 of 1,601,278 alleles (0.0012%); highest among the groups gnomAD compares: African/African-American, 0.0067%; no homozygotes.

Submission:

Ambry Genetics
Classification: Uncertain significance. Last evaluated: 2024-10-15. Review status: criteria provided, single submitter. Criteria: Ambry Variant Classification Scheme 2023. Collection method: clinical testing. Allele origin: germline.
Comment: The p.A1503T variant (also known as c.4507G>A), located in coding exon 19 of the WNK2 gene, results from a G to A substitution at nucleotide position 4507. The alanine at codon 1503 is replaced by threonine, an amino acid with similar properties. This amino acid position is conserved. In addition, this alteration is predicted to be tolerated by in silico analysis. Based on the available evidence, the clinical significance of this variant remains unclear.

NM_006648.4(WNK2):c.4507G>A (p.Ala1503Thr)

Gene: WNK2 (WNK lysine deficient protein kinase 2; plus strand). Cytogenetic location: 9q22.31.
Variant type: single nucleotide variant.
Coding change: c.4507G>A on transcript NM_006648.4 (MANE Select); coding-DNA position 4507, G replaced by A.
Protein change: p.Ala1503Thr; replaces alanine 1503 with threonine.
Molecular consequence: missense variant.
Genome position (GRCh38, 1-based): chr9:93,289,261, G>A. VCF-style: chr9-93289261-G-A. GRCh37 (hg19) VCF-style: chr9-96051543-G-A.
Other names: c.4618G>A, p.Ala1540Thr (NM_001282394.3); short protein forms A1503T, A1540T.
Identifiers: ClinVar variation 3470122 (VCV003470122.1).